The following is an entry in ClinVar:

NM_014846.4(WASHC5):c.210del (p.Lys70fs)

Gene: WASHC5 (WASH complex subunit 5; minus strand). Cytogenetic location: 8q24.13.
Variant type: Deletion.
Coding change: c.210del on transcript NM_014846.4 (MANE Select); coding-DNA position 210, one base deleted (A; older notation c.210delA).
Protein change: p.Lys70fs; shifts the reading frame from lysine 70.
Molecular consequence: frameshift variant. On other transcripts: 5 prime UTR variant (1).
Genome position (GRCh38, 1-based): chr8:125,083,235, T deleted on the plus strand (A on the coding strand, the reverse complement: WASHC5 is on the minus strand); the first of 3 consecutive T bases (chr8:125,083,235-125,083,237); deleting any one gives the same sequence. VCF-style (leftmost placement, unchanged base first): chr8-125083234-GT-G. GRCh37 (hg19) VCF-style: chr8-126095476-GT-G.
Other names: c.-235del (NM_001330609.2); c.210delA (NM_014846.4); short protein forms K70fs.
Identifiers: ClinVar variation 3233573 (VCV003233573.3), dbSNP rs2537390996, ClinGen allele CA2825001578.

ClinVar aggregate classification (germline): Pathogenic (1 of 4 stars; one submission).

Conditions:
Ritscher-Schinzel syndrome 1 (RTSC1). Identifiers: Orphanet 7, MedGen C4551776, MONDO:0009073, OMIM 220210.

Submission:

Women's Health and Genetics/Laboratory Corporation of America, LabCorp
Classification: Pathogenic for Ritscher-Schinzel syndrome 1. Last evaluated: 2024-03-08. Review status: criteria provided, single submitter. Criteria: LabCorp Variant Classification Summary - May 2015. Collection method: clinical testing. Allele origin: germline.
Comment: Variant summary: KIAA0196 c.210delA (p.Lys70AsnfsX11) results in a premature termination codon, predicted to cause absence of the protein due to nonsense mediated decay, which is a commonly known mechanism for disease. The variant was absent in 250852 control chromosomes (gnomAD). To our knowledge, no occurrence of c.210delA in individuals affected with Ritscher-Schinzel Syndrome 1 and no experimental evidence demonstrating its impact on protein function have been reported. No submitters have cited clinical-significance assessments for this variant to ClinVar. Based on the evidence outlined above, the variant was classified as pathogenic.